The following is an entry in ClinVar:

NM_006218.4(PIK3CA):c.1080C>G (p.Ile360Met)

Gene: PIK3CA (phosphatidylinositol-4,5-bisphosphate 3-kinase catalytic subunit alpha; plus strand). Cytogenetic location: 3q26.32.
Variant type: single nucleotide variant.
Coding change: c.1080C>G on transcript NM_006218.4 (MANE Select); coding-DNA position 1080, C replaced by G.
Protein change: p.Ile360Met; replaces isoleucine 360 with methionine.
Molecular consequence: missense variant.
Genome position (GRCh38, 1-based): chr3:179,204,523, C>G. VCF-style: chr3-179204523-C-G. GRCh37 (hg19) VCF-style: chr3-178922311-C-G.
Other names: short protein forms I360M.
Identifiers: ClinVar variation 1786281 (VCV001786281.2), dbSNP rs2108394323, ClinGen allele CA355282767.
Genomic context (GRCh38, chr3:179,204,523, plus strand): 5'-TGAGTGTATACATTAGTATATACCTACTTTTTTCTTTTAGATCTATGTTCGAACAGGTAT[C>G]TACCATGGAGGAGAACCCTTATGTGACAATGTGAACACTCAAAGAGTACCTTGTTCCAAT-3'
Protein context (NP_006209.2, residues 350-370): DIDKIYVRTG[Ile360Met]YHGGEPLCDN

ClinVar aggregate classification (germline): Uncertain significance (1 of 4 stars; one submission).

Conditions:
Inborn genetic diseases. Identifiers: MedGen C0950123, MeSH D030342.

Submission:

Ambry Genetics
Classification: Uncertain significance for Inborn genetic diseases. Last evaluated: 2022-09-18. Review status: criteria provided, single submitter. Criteria: Ambry Variant Classification Scheme 2023. Collection method: clinical testing. Allele origin: germline.
Comment: The p.I360M variant (also known as c.1080C>G), located in coding exon 5 of the PIK3CA gene, results from a C to G substitution at nucleotide position 1080. The isoleucine at codon 360 is replaced by methionine, an amino acid with highly similar properties. This amino acid position is conserved. In addition, the in silico prediction for this alteration is inconclusive. Since supporting evidence is limited at this time, the clinical significance of this alteration remains unclear.